The following is an entry in ClinVar:

ClinVar aggregate classification (germline): Uncertain significance (1 of 4 stars; one submission).

Conditions:
Hereditary cancer-predisposing syndrome. Also called: Neoplastic Syndromes, Hereditary; Tumor predisposition; Hereditary Cancer Syndrome; Hereditary neoplastic syndrome. Identifiers: Orphanet 140162, MedGen C0027672, MeSH D009386, MONDO:0015356.

Submission:

Ambry Genetics
Classification: Uncertain significance for Hereditary cancer-predisposing syndrome. Last evaluated: 2026-02-26. Review status: criteria provided, single submitter. Criteria: Ambry Variant Classification Scheme 2023. Collection method: clinical testing. Allele origin: germline.
Comment: The c.207_220del14 variant, located in coding exon 1 of the HOXB13 gene, results from a deletion of 14 nucleotides at nucleotide positions 207 to 220, causing a translational frameshift with a predicted alternate stop codon (p.Q71Sfs*51). In silico splice site analysis predicts that this alteration will not have any significant effect on splicing. This variant is expected to result in protein truncation or nonsense-mediated mRNA decay. However, loss of function has not been established as a mechanism of disease. Based on the available evidence, the clinical significance of this variant remains unclear.

NM_006361.6(HOXB13):c.207_220del (p.Gln71fs)

Gene: HOXB13 (homeobox B13; minus strand). Cytogenetic location: 17q21.32.
Variant type: Deletion.
Coding change: c.207_220del on transcript NM_006361.6 (MANE Select); coding-DNA positions 207 to 220, 14 bases deleted (GCCCCAGGGGACGT).
Protein change: p.Gln71fs; shifts the reading frame from glutamine 71.
Molecular consequence: frameshift variant.
Genome position (GRCh38, 1-based): chr17:48,728,374-48,728,387, ACGTCCCCTGGGGC deleted on the plus strand (GCCCCAGGGGACGT on the coding strand, the reverse complement: HOXB13 is on the minus strand); deleting any 14 consecutive bases within chr17:48,728,374-48,728,389 gives the same sequence; the c. name uses the placement nearest the transcript's 3' end. VCF-style (leftmost placement, unchanged base first): chr17-48728373-GACGTCCCCTGGGGC-G. GRCh37 (hg19) VCF-style: chr17-46805735-GACGTCCCCTGGGGC-G.
Other names: c.207_220del14 (NM_006361.5); short protein forms Q71fs.
Identifiers: ClinVar variation 4844822 (VCV004844822.1).